The following is an entry in ClinVar:

ClinVar aggregate classification (germline): Uncertain significance (1 of 4 stars; one submission).

Allele frequency attached by ClinVar (database versions not stated): gnomAD exomes 0.00001.
gnomAD v4.1: 7 of 1,614,152 alleles (0.00043%); highest among the groups gnomAD compares: Non-Finnish European, 0.00059%; no homozygotes.

Submission:

CeGaT Center for Human Genetics Tuebingen
Classification: Uncertain significance. Last evaluated: 2026-06-01. Review status: criteria provided, single submitter. Criteria: CeGaT Center For Human Genetics Tuebingen Variant Classification Criteria Version 2. Collection method: clinical testing. Allele origin: germline. Affected: yes. Observed: 1 variant allele.
Comment: CUBN: PM2, BP4

NM_001081.4(CUBN):c.9199A>G (p.Thr3067Ala)

Gene: CUBN (cubilin; minus strand). Cytogenetic location: 10p13.
Variant type: single nucleotide variant.
Coding change: c.9199A>G on transcript NM_001081.4 (MANE Select); coding-DNA position 9199, A replaced by G.
Protein change: p.Thr3067Ala; replaces threonine 3067 with alanine.
Molecular consequence: missense variant.
Genome position (GRCh38, 1-based): chr10:16,874,411, T>C on the plus strand (A>G on the coding strand, the complement: CUBN is on the minus strand). VCF-style: chr10-16874411-T-C. GRCh37 (hg19) VCF-style: chr10-16916410-T-C.
Other names: short protein forms T3067A.
Identifiers: ClinVar variation 2640326 (VCV002640326.24), dbSNP rs2491271373, ClinGen allele CA376130000.